The following is an entry in ClinVar:

NM_001287.6(CLCN7):c.953T>C (p.Phe318Ser)

Gene: CLCN7 (Cl-/H+ antiporter 7; minus strand). Cytogenetic location: 16p13.3.
Variant type: single nucleotide variant.
Coding change: c.953T>C on transcript NM_001287.6 (MANE Select); coding-DNA position 953, T replaced by C.
Protein change: p.Phe318Ser; replaces phenylalanine 318 with serine.
Molecular consequence: missense variant.
Genome position (GRCh38, 1-based): chr16:1,455,759, A>G on the plus strand (T>C on the coding strand, the complement: CLCN7 is on the minus strand). VCF-style: chr16-1455759-A-G. GRCh37 (hg19) VCF-style: chr16-1505760-A-G.
Other names: c.881T>C, p.Phe294Ser (NM_001114331.3); short protein forms F294S, F318S.
Identifiers: ClinVar variation 5020219 (VCV005020219.1).

ClinVar aggregate classification (germline): Uncertain significance (1 of 4 stars; one submission).

Submission:

Dasa
Classification: Uncertain significance. Last evaluated: 2026-07-09. Review status: criteria provided, single submitter. Criteria: DASA Assertion Criteria. Collection method: clinical testing. Allele origin: germline.
Comment: NM_001287.6(CLCN7):c.953T>C (p.Phe318Ser) is a missense variant that results in the substitution of phenylalanine with serine. This variant has been reported in individuals with CLCN7-related disorders (PMID: 36513280). Also, this variant is rare in population databases. Computational prediction algorithms are consistent with a deleterious effect. The currently available literature and clinical evidence are not sufficient to establish a definitive association between this variant and the reported condition. Therefore, this variant is classified as a variant of uncertain significance.

Literature cited by the submitters: PubMed 36513280; PubMed 28975865.